The following is an entry in ClinVar:

ClinVar aggregate classification (germline): Conflicting classifications of pathogenicity. Review status: criteria provided, conflicting classifications (1 of 4 stars). 8 submissions from 8 submitters: Uncertain significance (6); Benign (1); Likely benign (1). Last evaluated 2025-08-03.

Conditions:
Amyotrophic lateral sclerosis type 4 (ALS4). Also called: NEURONOPATHY, DISTAL HEREDITARY MOTOR, WITH PYRAMIDAL FEATURES; AMYOTROPHIC LATERAL SCLEROSIS 4, JUVENILE. Identifiers: Orphanet 357043, MedGen C1865409, MONDO:0011223, OMIM 602433.
Spinocerebellar ataxia, autosomal recessive, with axonal neuropathy 2 (SCAN2). Also called: Ataxia-ocular apraxia-2; Ataxia with Oculomotor Apraxia; Ataxia with Oculomotor Apraxia Type 2; ATAXIA-OCULOMOTOR APRAXIA 2. Identifiers: Orphanet 64753, MedGen C1853761, MONDO:0018996, OMIM 606002.
Inborn genetic diseases. Identifiers: MedGen C0950123, MeSH D030342.

Allele frequency attached by ClinVar (database versions not stated): gnomAD 0.00006 and 0.00008; TOPMed 0.00007; ESP Exome Variant Server 0.00008; gnomAD exomes 0.00008 and 0.00010; ExAC 0.00012.
gnomAD v4.1: 130 of 1,613,944 alleles (0.0081%); highest among the groups gnomAD compares: Middle Eastern, 0.13%; no homozygotes.

Submissions (8):

Labcorp Genetics (formerly Invitae), Labcorp
Classification: Benign for Amyotrophic lateral sclerosis type 4; Spinocerebellar ataxia, autosomal recessive, with axonal neuropathy 2. Last evaluated: 2025-08-03. Review status: criteria provided, single submitter. Criteria: Invitae Variant Classification Sherloc (09022015). Collection method: clinical testing. Allele origin: germline.

CeGaT Center for Human Genetics Tuebingen
Classification: Likely benign. Last evaluated: 2024-01-01. Review status: criteria provided, single submitter. Criteria: CeGaT Center For Human Genetics Tuebingen Variant Classification Criteria Version 2. Collection method: clinical testing. Allele origin: germline. Affected: yes. Observed: 3 variant alleles.
Comment: SETX: BP4

Fulgent Genetics
Classification: Uncertain significance for Amyotrophic lateral sclerosis type 4; Spinocerebellar ataxia, autosomal recessive, with axonal neuropathy 2. Last evaluated: 2022-01-12. Review status: criteria provided, single submitter. Criteria: ACMG Guidelines, 2015. Collection method: clinical testing. Allele origin: unknown.

Ambry Genetics
Classification: Uncertain significance for Inborn genetic diseases. Last evaluated: 2021-07-23. Review status: criteria provided, single submitter. Criteria: Ambry Variant Classification Scheme 2023. Collection method: clinical testing. Allele origin: germline.
Comment: The p.G1006R variant (also known as c.3016G>A), located in coding exon 8 of the SETX gene, results from a G to A substitution at nucleotide position 3016. The glycine at codon 1006 is replaced by arginine, an amino acid with dissimilar properties. This amino acid position is not well conserved in available vertebrate species, and arginine is the reference amino acid in other vertebrate species. In addition, this alteration is predicted to be tolerated by in silico analysis. Based on the supporting evidence, this variant is unlikely to be causative of juvenile amyotrophic lateral sclerosis 4 (ALS4); however, its contribution to the development of spinocerebellar ataxia with axonal neuropathy 2 (SCAN2) is uncertain.

Mayo Clinic Laboratories, Mayo Clinic
Classification: Uncertain significance. Last evaluated: 2020-07-14. Review status: criteria provided, single submitter. Criteria: ACMG Guidelines, 2015. Collection method: clinical testing. Allele origin: germline. Observed: 1 variant allele.

Victorian Clinical Genetics Services, Murdoch Childrens Research Institute
Classification: Uncertain significance for Spinocerebellar ataxia, autosomal recessive, with axonal neuropathy 2. Last evaluated: 2020-06-11. Review status: criteria provided, single submitter. Criteria: ACMG Guidelines, 2015. Collection method: clinical testing. Allele origin: germline.
Comment: Based on the classification scheme VCGS_Germline_v1.1.1, this variant is classified as 3C-VUS. Following criteria are met: 0102 - Loss-of-function is a known mechanism of disease for this gene. (N) 0105 - The mechanism of disease for this gene is not clearly established. (N) 0108 - This gene is known to be associated with both recessive and dominant disease. The dominant condition is associated with missense variants only, while the recessive condition is associated with both null and missense variants, with the latter clustered in the N-terminal or helicase domains (PMID: 23129421). (N) 0200 - Variant is predicted to result in a missense amino acid change from a glycine to an arginine (exon 10). (N) 0251 - Variant is heterozygous. (N) 0304 - Variant is present in gnomAD <0.01 for a recessive condition (28 heterozygotes, 0 homozygotes). (P) 0504 - Same amino acid change has been observed in mammals. (B) 0604 - Variant is not located in an established domain, motif, hotspot or informative constraint region. (N) 0705 - No comparable variants have previous evidence for pathogenicity. (N) 0804 - Variant is in the population at a low frequency and has previously been described as variant of uncertain significance in multiple independent cases for both phenotypes (ClinVar). (N) 0905 - No segregation evidence has been identified for this variant. (N) 1007 - No published functional evidence has been identified for this variant. (N) 1208 - Inheritance information for this variant is not currently available. (N) Legend: (P) - Pathogenic, (N) - Neutral, (B) - Benign

Revvity Omics, Revvity
Classification: Uncertain significance. Last evaluated: 2019-06-04. Review status: criteria provided, single submitter. Criteria: ACMG Guidelines, 2015. Collection method: clinical testing. Allele origin: germline.

Athena Diagnostics
Classification: Uncertain significance. Last evaluated: 2017-04-19. Review status: criteria provided, single submitter. Criteria: Athena Diagnostics Criteria. Collection method: clinical testing. Allele origin: germline.

Literature cited by the submitters: PubMed 23129421 (cited by Victorian Clinical Genetics Services, Murdoch Childrens Research Institute).

NM_015046.7(SETX):c.3016G>A (p.Gly1006Arg)

Gene: SETX (senataxin; minus strand). Cytogenetic location: 9q34.13.
Variant type: single nucleotide variant.
Coding change: c.3016G>A on transcript NM_015046.7 (MANE Select); coding-DNA position 3016, G replaced by A.
Protein change: p.Gly1006Arg; replaces glycine 1006 with arginine.
Molecular consequence: missense variant.
Genome position (GRCh38, 1-based): chr9:132,328,582, C>T on the plus strand (G>A on the coding strand, the complement: SETX is on the minus strand). VCF-style: chr9-132328582-C-T. GRCh37 (hg19) VCF-style: chr9-135203969-C-T.
Other names: c.3016G>A, p.Gly1006Arg (NM_001351527.2, NM_001351528.2); short protein forms G1006R.
Identifiers: ClinVar variation 448317 (VCV000448317.57), dbSNP rs141266068, ClinGen allele CA5297499.